The following is an entry in ClinVar:

NM_003119.4(SPG7):c.1408C>T (p.Arg470Ter)

Gene: SPG7 (SPG7 matrix AAA peptidase subunit, paraplegin; plus strand). Cytogenetic location: 16q24.3.
Variant type: single nucleotide variant.
Coding change: c.1408C>T on transcript NM_003119.4 (MANE Select); coding-DNA position 1408, C replaced by T.
Protein change: p.Arg470Ter; replaces arginine 470 with a stop codon.
Molecular consequence: nonsense.
Genome position (GRCh38, 1-based): chr16:89,544,731, C>T. VCF-style: chr16-89544731-C-T. GRCh37 (hg19) VCF-style: chr16-89611139-C-T.
Other names: c.1408C>T, p.Arg470Ter (NM_001363850.1); short protein forms R470*.
Identifiers: ClinVar variation 216088 (VCV000216088.12), dbSNP rs748555510, ClinGen allele CA336544.

ClinVar aggregate classification (germline): Pathogenic/Likely pathogenic. Review status: criteria provided, multiple submitters, no conflicts (2 of 4 stars). 4 submissions from 4 submitters: Pathogenic (3); Likely pathogenic (1). Last evaluated 2024-10-03.

Conditions:
SPG7-related disorder. Also called: SPG7-related condition.
Hereditary spastic paraplegia 7 (SPG7). Also called: Spastic paraplegia 7; Hereditary spastic paraplegia Paraplegin type; Autosomal recessive spastic paraplegia type 7; SPASTIC PARAPLEGIA 7, AUTOSOMAL RECESSIVE, WITH OR WITHOUT CEREBELLAR ATAXIA; SPG7-related neurologic disorder. Identifiers: Orphanet 99013, MedGen C1846564, MONDO:0011803, OMIM 607259.

Allele frequency attached by ClinVar (database versions not stated): gnomAD exomes 0.00001.
gnomAD v4.1: 6 of 1,614,082 alleles (0.00037%); highest among the groups gnomAD compares: Non-Finnish European, 0.00051%; no homozygotes.

Submissions (4):

Blueprint Genetics
Classification: Pathogenic for SPG7-related disorders. Last evaluated: 2024-10-03. Review status: criteria provided, single submitter. Criteria: ACMG Guidelines, 2015. Collection method: clinical testing. Allele origin: germline. Affected: yes. Observed: 3 variant alleles.

Labcorp Genetics (formerly Invitae), Labcorp
Classification: Pathogenic for Hereditary spastic paraplegia 7. Last evaluated: 2024-01-17. Review status: criteria provided, single submitter. Criteria: Invitae Variant Classification Sherloc (09022015). Collection method: clinical testing. Allele origin: germline.
Comment: This sequence change creates a premature translational stop signal (p.Arg470*) in the SPG7 gene. It is expected to result in an absent or disrupted protein product. Loss-of-function variants in SPG7 are known to be pathogenic (PMID: 21623769, 22964162). This variant is present in population databases (rs748555510, gnomAD 0.002%). This premature translational stop signal has been observed in individual(s) with SPG7-related conditions (PMID: 29482223). ClinVar contains an entry for this variant (Variation ID: 216088). For these reasons, this variant has been classified as Pathogenic.

PROSPAX: an integrated multimodal progression  chart in spastic ataxias, Center for Neurology; Hertie-Institute for Clinical Brain Research
Classification: Pathogenic for Hereditary spastic paraplegia 7. Last evaluated: 2022-01-01. Review status: criteria provided, single submitter. Criteria: ACMG Guidelines, 2015. Collection method: research. Allele origin: germline. Affected: yes.
Comment: Variant seen in compound het: [c.1408C>T;c.1715C>T]

MGZ Medical Genetics Center
Classification: Likely pathogenic for Hereditary spastic paraplegia 7. Last evaluated: 2021-07-06. Review status: criteria provided, single submitter. Criteria: ACMG Guidelines, 2015. Collection method: clinical testing. Allele origin: germline. Affected: yes. Observed: 1 variant allele.
Comment: ACMG criteria applied: PVS1, PM2_SUP

Literature cited by the submitters: PubMed 21623769 (cited by Labcorp Genetics (formerly Invitae), Labcorp); PubMed 22964162 (cited by Labcorp Genetics (formerly Invitae), Labcorp); PubMed 29482223 (cited by Labcorp Genetics (formerly Invitae), Labcorp).